The following is an entry in ClinVar:

ClinVar aggregate classification (germline): Uncertain significance. Review status: criteria provided, multiple submitters, no conflicts (2 of 4 stars). 2 submissions from 2 submitters: Uncertain significance (2). Last evaluated 2026-02-01.

Conditions:
RYR1-related disorder. Also called: RYR1-related condition; RYR1-related disorders. Identifiers: MedGen CN239331.

Allele frequency attached by ClinVar (database versions not stated): gnomAD exomes below 0.00001 and 0.00001.

Submissions (2):

Labcorp Genetics (formerly Invitae), Labcorp
Classification: Uncertain significance for RYR1-related disorder. Last evaluated: 2026-02-01. Review status: criteria provided, single submitter. Criteria: Invitae Variant Classification Sherloc (09022015). Collection method: clinical testing. Allele origin: germline.
Comment: This sequence change replaces asparagine, which is neutral and polar, with serine, which is neutral and polar, at codon 3419 of the RYR1 protein (p.Asn3419Ser). The frequency data for this variant in the population databases is considered unreliable, as metrics indicate poor data quality at this position in the gnomAD database. This variant has not been reported in the literature in individuals affected with RYR1-related conditions. ClinVar contains an entry for this variant (Variation ID: 1303831). Invitae Evidence Modeling of protein sequence and biophysical properties (such as structural, functional, and spatial information, amino acid conservation, physicochemical variation, residue mobility, and thermodynamic stability) indicates that this missense variant is not expected to disrupt RYR1 protein function with a negative predictive value of 80%. In summary, the available evidence is currently insufficient to determine the role of this variant in disease. Therefore, it has been classified as a Variant of Uncertain Significance.

GeneDx
Classification: Uncertain significance. Last evaluated: 2024-08-28. Review status: criteria provided, single submitter. Criteria: GeneDx Variant Classification Process June 2021. Collection method: clinical testing. Allele origin: germline. Affected: yes.
Comment: Not observed at significant frequency in large population cohorts (gnomAD); In silico analysis supports that this missense variant has a deleterious effect on protein structure/function; Has not been previously published as pathogenic or benign to our knowledge

NM_000540.3(RYR1):c.10256A>G (p.Asn3419Ser)

Gene: RYR1 (ryanodine receptor 1; plus strand). Cytogenetic location: 19q13.2.
Variant type: single nucleotide variant.
Coding change: c.10256A>G on transcript NM_000540.3 (MANE Select); coding-DNA position 10256, A replaced by G.
Protein change: p.Asn3419Ser; replaces asparagine 3419 with serine.
Molecular consequence: missense variant.
Genome position (GRCh38, 1-based): chr19:38,519,451, A>G. VCF-style: chr19-38519451-A-G. GRCh37 (hg19) VCF-style: chr19-39010091-A-G.
Other names: c.10256A>G, p.Asn3419Ser (NM_001042723.2); short protein forms N3419S.
Identifiers: ClinVar variation 1303831 (VCV001303831.4), dbSNP rs1163728546, ClinGen allele CA405696874.